The following is an entry in ClinVar:

ClinVar aggregate classification (germline): Likely benign (0 of 4 stars; one submission).

Conditions:
Gaucher disease type I (GD1). Also called: GD 1; Gaucher's disease, type 1; Type 1 Gaucher Disease; ACID BETA-GLUCOSIDASE DEFICIENCY; GAUCHER DISEASE, NONCEREBRAL JUVENILE; GBA DEFICIENCY. Identifiers: Orphanet 355, Orphanet 77259, MedGen C1961835, MONDO:0009265, OMIM 230800.

Submission:

Laboratório Nacional de Células Tronco Embrionárias, Instituto de Biociencias - Universidade de Sao Paulo
Classification: Likely benign for Gaucher disease type I. Last evaluated: 2025-06-24. Review status: no assertion criteria provided. Collection method: research. Allele origin: inherited. Inheritance: Autosomal recessive inheritance. Affected: yes. Observed: 1 variant allele.
Comment: Silent mutation - NP_000148.2:p.(F114=) – detected and described in Rozenberg et al., 2006 (doi:10.1016/j.bcmd.2006.09.004). This synonymous variant does not alter the amino acid sequence. Based on these data and established disease mechanisms for GBA1, we classified it as likely benign.

Literature cited by the submitters: DOI 10.1016/j.bcmd.2006.09.004.

NM_000157.4(GBA1):c.342C>T (p.Phe114=)

Genes: GBA1 (glucosylceramidase beta 1; minus strand), LOC106627981 (GBA recombination region; plus strand). Cytogenetic location: 1q22.
Variant type: single nucleotide variant.
Coding change: c.342C>T on transcript NM_000157.4 (MANE Select); coding-DNA position 342, C replaced by T.
Protein change: p.Phe114=; no amino-acid change (phenylalanine 114 retained).
Molecular consequence: synonymous variant. On other transcripts: intron variant (1).
Genome position (GRCh38, 1-based): chr1:155,239,728, G>A on the plus strand (C>T on the coding strand, the complement: GBA1 is on the minus strand). VCF-style: chr1-155239728-G-A. GRCh37 (hg19) VCF-style: chr1-155209519-G-A.
Other names: NP_000148.2:p.(F114=); c.342C>T, p.Phe114= (NM_001005741.3, NM_001005742.3); c.81C>T, p.Phe27= (NM_001171811.2); c.307+158C>T (NM_001171812.2).
Identifiers: ClinVar variation 4075429 (VCV004075429.1).